The following is an entry in ClinVar:

ClinVar aggregate classification (germline): Likely benign (1 of 4 stars; one submission).

Allele frequency attached by ClinVar (database versions not stated): ExAC 0.00163.

Submission:

CeGaT Center for Human Genetics Tuebingen
Classification: Likely benign. Last evaluated: 2023-04-01. Review status: criteria provided, single submitter. Criteria: CeGaT Center For Human Genetics Tuebingen Variant Classification Criteria Version 2. Collection method: clinical testing. Allele origin: germline. Affected: yes. Observed: 1 variant allele.
Comment: CLIC6: BP4, BP7

NM_053277.3(CLIC6):c.735G>C (p.Arg245=)

Gene: CLIC6 (CLIC family member 6; plus strand). Cytogenetic location: 21q22.12.
Variant type: single nucleotide variant.
Coding change: c.735G>C on transcript NM_053277.3 (MANE Select); coding-DNA position 735, G replaced by C.
Protein change: p.Arg245=; no amino-acid change (arginine 245 retained).
Molecular consequence: synonymous variant.
Genome position (GRCh38, 1-based): chr21:34,670,123, G>C. VCF-style: chr21-34670123-G-C. GRCh37 (hg19) VCF-style: chr21-36042422-G-C.
Other names: c.735G>C, p.Arg245= (NM_001317009.2).
Identifiers: ClinVar variation 2652636 (VCV002652636.24), dbSNP rs763696583, ClinGen allele CA10013795.